The following is an entry in ClinVar:

NM_001001557.4(GDF6):c.1085A>G (p.Asn362Ser)

Gene: GDF6 (growth differentiation factor 6; minus strand). Cytogenetic location: 8q22.1.
Variant type: single nucleotide variant.
Coding change: c.1085A>G on transcript NM_001001557.4 (MANE Select); coding-DNA position 1085, A replaced by G.
Protein change: p.Asn362Ser; replaces asparagine 362 with serine.
Molecular consequence: missense variant.
Genome position (GRCh38, 1-based): chr8:96,144,846, T>C on the plus strand (A>G on the coding strand, the complement: GDF6 is on the minus strand). VCF-style: chr8-96144846-T-C. GRCh37 (hg19) VCF-style: chr8-97157074-T-C.
Other names: short protein forms N362S.
Identifiers: ClinVar variation 4794654 (VCV004794654.1).
Genomic context (GRCh38, chr8:96,144,846, plus strand): 5'-TGATAGGCCTCGTACTCCAGGGGCGCGATAATCCAGTCGTCCCAGCCCAGCTCCTTGAAG[T>C]TCACGTGCAGGGGCTTCTTGCTGCAGCGTAGCCTGGACTTCTTGCCGTGCCGCTTGCCAT-3'
Protein context (NP_001001557.1, residues 352-372): LRCSKKPLHV[Asn362Ser]FKELGWDDWI

ClinVar aggregate classification (germline): Uncertain significance (1 of 4 stars; one submission).

Conditions:
Isolated microphthalmia 4. Identifiers: Orphanet 2542, MedGen C2751307, MONDO:0013130, OMIM 613094.
Microphthalmia, isolated, with coloboma 6 (MCOPCB6). Also called: Microphthalmia with coloboma 6, digenic; Microphthalmia with coloboma 6; MICROPHTHALMIA/COLOBOMA 6. Identifiers: Orphanet 98938, MedGen C3150968, MONDO:0013376, OMIM 613703.
Leber congenital amaurosis 17 (LCA17). Identifiers: Orphanet 65, MedGen C3715164, MONDO:0014145, OMIM 615360.
Klippel-Feil syndrome 1, autosomal dominant (KFS1). Also called: CERVICAL VERTEBRAL FUSION, AUTOSOMAL DOMINANT. Identifiers: Orphanet 2345, MedGen C1861689, MONDO:0007306, OMIM 118100.

Submission:

Labcorp Genetics (formerly Invitae), Labcorp
Classification: Uncertain significance for Isolated microphthalmia 4; Leber congenital amaurosis 17; Klippel-Feil syndrome 1, autosomal dominant; Microphthalmia, isolated, with coloboma 6. Last evaluated: 2026-01-12. Review status: criteria provided, single submitter. Criteria: Invitae Variant Classification Sherloc (09022015). Collection method: clinical testing. Allele origin: germline.
Comment: This sequence change replaces asparagine, which is neutral and polar, with serine, which is neutral and polar, at codon 362 of the GDF6 protein (p.Asn362Ser). This variant is not present in population databases (gnomAD no frequency). This variant has not been reported in the literature in individuals affected with GDF6-related conditions. Invitae Evidence Modeling of protein sequence and biophysical properties (such as structural, functional, and spatial information, amino acid conservation, physicochemical variation, residue mobility, and thermodynamic stability) indicates that this missense variant is not expected to disrupt GDF6 protein function with a negative predictive value of 80%. In summary, the available evidence is currently insufficient to determine the role of this variant in disease. Therefore, it has been classified as a Variant of Uncertain Significance.